The following is an entry in ClinVar:

ClinVar aggregate classification (germline): Pathogenic. Review status: criteria provided, multiple submitters, no conflicts (2 of 4 stars). 2 submissions from 2 submitters: Pathogenic (2). Last evaluated 2026-05-27.

Conditions:
Spastic paraplegia. Identifiers: MedGen C0037772, HP:0001258.
Charlevoix-Saguenay spastic ataxia (SACS). Also called: SPASTIC ATAXIA 6, AUTOSOMAL RECESSIVE; AUTOSOMAL RECESSIVE SPASTIC ATAXIA OF CHARLEVOIX-SAGUENAY; Spastic ataxia of Charlevoix-Saguenay. Identifiers: Orphanet 98, MedGen C1849140, MONDO:0010041, OMIM 270550.

Allele frequency attached by ClinVar (database versions not stated): gnomAD exomes below 0.00001.

Submissions (2):

Myriad Genetics, Inc.
Classification: Pathogenic for Charlevoix-Saguenay spastic ataxia. Last evaluated: 2026-05-27. Review status: criteria provided, single submitter. Criteria: Myriad Autosomal Dominant, Autosomal Recessive and X-Linked Classification Criteria (2023). Collection method: clinical testing. Allele origin: unknown.
Comment: NM_014363.4(SACS):c.8034delC(S2679Qfs*60) is a frameshift variant classified as pathogenic in the context of autosomal recessive spastic ataxia of Charlevoix-Saguenay. S2679Qfs*60 has not been observed in cases with relevant disease. Relevant functional assessments of this variant are not available in the literature. S2679Qfs*60 has been observed in referenced population frequency databases. In summary, NM_014363.4(SACS):c.8034delC(S2679Qfs*60) is a frameshift variant in a gene where loss of function is a known mechanism of disease and is predicted to disrupt protein function. Please note: this variant was assessed in the context of healthy population screening.

Labcorp Genetics (formerly Invitae), Labcorp
Classification: Pathogenic for Spastic paraplegia. Last evaluated: 2022-03-28. Review status: criteria provided, single submitter. Criteria: Invitae Variant Classification Sherloc (09022015). Collection method: clinical testing. Allele origin: germline.
Comment: For these reasons, this variant has been classified as Pathogenic. This variant disrupts a region of the SACS protein in which other variant(s) (p.Asn4549Asp) have been determined to be pathogenic (PMID: 15156359, 21507954). This suggests that this is a clinically significant region of the protein, and that variants that disrupt it are likely to be disease-causing. This variant has not been reported in the literature in individuals affected with SACS-related conditions. This variant is present in population databases (no rsID available, gnomAD 0.0009%). This sequence change creates a premature translational stop signal (p.Ser2679Glnfs*60) in the SACS gene. While this is not anticipated to result in nonsense mediated decay, it is expected to disrupt the last 1901 amino acid(s) of the SACS protein.

Literature cited by the submitters: PubMed 15156359 (cited by Labcorp Genetics (formerly Invitae), Labcorp); PubMed 21507954 (cited by Labcorp Genetics (formerly Invitae), Labcorp).

NM_014363.6(SACS):c.8034del (p.Ser2679fs)

Gene: SACS (sacsin molecular chaperone; minus strand). Cytogenetic location: 13q12.12.
Variant type: Deletion.
Coding change: c.8034del on transcript NM_014363.6 (MANE Select); coding-DNA position 8034, one base deleted (C; older notation c.8034delC).
Protein change: p.Ser2679fs; shifts the reading frame from serine 2679.
Molecular consequence: frameshift variant.
Genome position (GRCh38, 1-based): chr13:23,335,842, G deleted on the plus strand (C on the coding strand, the reverse complement: SACS is on the minus strand). VCF-style (leftmost placement, unchanged base first): chr13-23335841-AG-A. GRCh37 (hg19) VCF-style: chr13-23909980-AG-A.
Other names: c.7593del, p.Ser2532fs (NM_001278055.2); short protein forms S2532fs, S2679fs.
Identifiers: ClinVar variation 1454172 (VCV001454172.7), dbSNP rs1220821559, ClinGen allele CA608985254.